The following is an entry in ClinVar:

ClinVar aggregate classification (germline): Uncertain significance. Review status: criteria provided, multiple submitters, no conflicts (2 of 4 stars). 2 submissions from 2 submitters: Uncertain significance (2). Last evaluated 2023-02-20.

Conditions:
Sclerosteosis 2 (SOST2). Identifiers: Orphanet 3152, MedGen C3280402, MONDO:0013679, OMIM 614305.
Congenital myasthenic syndrome 17. Identifiers: Orphanet 590, MedGen C4225377, MONDO:0014578, OMIM 616304.
Cenani-Lenz syndactyly syndrome. Also called: SYNDACTYLY, TYPE VII; CENANI SYNDACTYLISM. Identifiers: Orphanet 3258, MedGen C1859309, MONDO:0008931, OMIM 212780.

gnomAD v4.1: 11 of 1,613,434 alleles (0.00068%); highest among the groups gnomAD compares: Admixed American, 0.012%; no homozygotes.

Submissions (2):

GeneDx
Classification: Uncertain significance. Last evaluated: 2023-02-20. Review status: criteria provided, single submitter. Criteria: GeneDx Variant Classification Process June 2021. Collection method: clinical testing. Allele origin: germline. Affected: yes.
Comment: In silico analysis supports that this missense variant does not alter protein structure/function; Has not been previously published as pathogenic or benign to our knowledge

Labcorp Genetics (formerly Invitae), Labcorp
Classification: Uncertain significance for Cenani-Lenz syndactyly syndrome; Sclerosteosis 2; Congenital myasthenic syndrome 17. Last evaluated: 2022-07-25. Review status: criteria provided, single submitter. Criteria: Invitae Variant Classification Sherloc (09022015). Collection method: clinical testing. Allele origin: germline.
Comment: In summary, the available evidence is currently insufficient to determine the role of this variant in disease. Therefore, it has been classified as a Variant of Uncertain Significance. Algorithms developed to predict the effect of missense changes on protein structure and function (SIFT, PolyPhen-2, Align-GVGD) all suggest that this variant is likely to be tolerated. ClinVar contains an entry for this variant (Variation ID: 1385455). This variant has not been reported in the literature in individuals affected with LRP4-related conditions. This variant is present in population databases (rs3816614, gnomAD 0.02%). This sequence change replaces arginine, which is basic and polar, with leucine, which is neutral and non-polar, at codon 1646 of the LRP4 protein (p.Arg1646Leu).

NM_002334.4(LRP4):c.4937G>T (p.Arg1646Leu)

Genes: LRP4 (LDL receptor related protein 4; minus strand), LRP4-AS1 (LRP4 antisense RNA 1; plus strand). Cytogenetic location: 11p11.2.
Variant type: single nucleotide variant.
Coding change: c.4937G>T on transcript NM_002334.4 (MANE Select); coding-DNA position 4937, G replaced by T.
Protein change: p.Arg1646Leu; replaces arginine 1646 with leucine.
Molecular consequence: missense variant.
Genome position (GRCh38, 1-based): chr11:46,868,614, C>A on the plus strand (G>T on the coding strand, the complement: LRP4 is on the minus strand). VCF-style: chr11-46868614-C-A. GRCh37 (hg19) VCF-style: chr11-46890165-C-A.
Other names: short protein forms R1646L.
Identifiers: ClinVar variation 1385455 (VCV001385455.6), dbSNP rs3816614, ClinGen allele CA5969201.